The following is an entry in ClinVar:

NM_001184900.3(CARD8):c.1318G>A (p.Val440Ile)

Gene: CARD8 (caspase recruitment domain family member 8; minus strand). Cytogenetic location: 19q13.33.
Variant type: single nucleotide variant.
Coding change: c.1318G>A on transcript NM_001184900.3 (MANE Select); coding-DNA position 1318, G replaced by A.
Protein change: p.Val440Ile; replaces valine 440 with isoleucine.
Molecular consequence: missense variant. On other transcripts: synonymous variant (7), non-coding transcript variant (4).
Genome position (GRCh38, 1-based): chr19:48,215,370, C>T on the plus strand (G>A on the coding strand, the complement: CARD8 is on the minus strand). VCF-style: chr19-48215370-C-T. GRCh37 (hg19) VCF-style: chr19-48718627-C-T.
Other names: c.1168G>A, p.Val390Ile (NM_001184901.1, NM_001351783.2, NM_014959.5); c.1176G>A, p.Leu392= (NM_001184902.2, NM_001184903.1); c.1318G>A, p.Val440Ile (NM_001351782.2); c.1003G>A, p.Val335Ile (NM_001351784.2, NM_001351787.2); c.982G>A, p.Val328Ile (NM_001351786.2); c.1026G>A, p.Leu342= (NM_001351788.2, NM_001351789.2); c.933G>A, p.Leu311= (NM_001351790.2); c.861G>A, p.Leu287= (NM_001351791.2, NM_001351792.2); and 1 more; short protein forms V328I, V334I, V335I, V390I, V440I.
Identifiers: ClinVar variation 1716833 (VCV001716833.6), dbSNP rs1361255596, ClinGen allele CA406663720.

ClinVar aggregate classification (germline): Uncertain significance (1 of 4 stars; one submission).

Allele frequency attached by ClinVar (database versions not stated): TOPMed below 0.00001.

Submission:

Labcorp Genetics (formerly Invitae), Labcorp
Classification: Uncertain significance. Last evaluated: 2022-08-19. Review status: criteria provided, single submitter. Criteria: Invitae Variant Classification Sherloc (09022015). Collection method: clinical testing. Allele origin: germline.
Comment: In summary, the available evidence is currently insufficient to determine the role of this variant in disease. Therefore, it has been classified as a Variant of Uncertain Significance. Algorithms developed to predict the effect of missense changes on protein structure and function (SIFT, PolyPhen-2, Align-GVGD) all suggest that this variant is likely to be tolerated. This variant has not been reported in the literature in individuals affected with CARD8-related conditions. This variant is present in population databases (no rsID available, gnomAD 0.0009%). This sequence change replaces valine, which is neutral and non-polar, with isoleucine, which is neutral and non-polar, at codon 390 of the CARD8 protein (p.Val390Ile).